The following is an entry in ClinVar:

ClinVar aggregate classification (germline): Conflicting classifications of pathogenicity. Review status: criteria provided, conflicting classifications (1 of 4 stars). 5 submissions from 5 submitters: Uncertain significance (4); Likely benign (1). Last evaluated 2024-05-15.

Conditions:
Fraser syndrome 1 (FRASRS1). Also called: CRYPTOPHTHALMOS WITH OTHER MALFORMATIONS. Identifiers: Orphanet 2052, MedGen C4551480, MONDO:0054737, OMIM 219000.
Inborn genetic diseases. Identifiers: MedGen C0950123, MeSH D030342.

Allele frequency attached by ClinVar (database versions not stated): gnomAD 0.00005; gnomAD exomes 0.00009 and 0.00012; TOPMed 0.00009; ExAC 0.00010.
gnomAD v4.1: 135 of 1,613,604 alleles (0.0084%); highest among the groups gnomAD compares: South Asian, 0.045%; no homozygotes.

Submissions (5):

Fulgent Genetics
Classification: Uncertain significance for Fraser syndrome 1. Last evaluated: 2024-05-15. Review status: criteria provided, single submitter. Criteria: ACMG Guidelines, 2015. Collection method: clinical testing. Allele origin: germline.

Department of Pathology and Laboratory Medicine, Sinai Health System
Classification: Uncertain significance for Fraser syndrome 1. Last evaluated: 2022-03-02. Review status: criteria provided, single submitter. Criteria: ACMG Guidelines, 2015. Collection method: research. Allele origin: germline.

Ambry Genetics
Classification: Likely benign for Inborn genetic diseases. Last evaluated: 2022-01-04. Review status: criteria provided, single submitter. Criteria: Ambry Variant Classification Scheme 2023. Collection method: clinical testing. Allele origin: germline.

Labcorp Genetics (formerly Invitae), Labcorp
Classification: Uncertain significance. Last evaluated: 2021-11-22. Review status: criteria provided, single submitter. Criteria: Invitae Variant Classification Sherloc (09022015). Collection method: clinical testing. Allele origin: germline.
Comment: This sequence change replaces alanine, which is neutral and non-polar, with valine, which is neutral and non-polar, at codon 3894 of the FRAS1 protein (p.Ala3894Val). This variant is present in population databases (rs772941624, gnomAD 0.05%). This variant has not been reported in the literature in individuals affected with FRAS1-related conditions. ClinVar contains an entry for this variant (Variation ID: 349817). Algorithms developed to predict the effect of missense changes on protein structure and function output the following: SIFT: "Tolerated"; PolyPhen-2: "Benign"; Align-GVGD: "Class C0". The valine amino acid residue is found in multiple mammalian species, which suggests that this missense change does not adversely affect protein function. In summary, the available evidence is currently insufficient to determine the role of this variant in disease. Therefore, it has been classified as a Variant of Uncertain Significance.

Illumina Laboratory Services, Illumina
Classification: Uncertain significance for Fraser syndrome 1. Last evaluated: 2018-01-13. Review status: criteria provided, single submitter. Criteria: ICSL Variant Classification Criteria 13 December 2019. Collection method: clinical testing. Allele origin: germline.

NM_025074.7(FRAS1):c.11681C>T (p.Ala3894Val)

Gene: FRAS1 (Fraser extracellular matrix complex subunit 1; plus strand). Cytogenetic location: 4q21.21.
Variant type: single nucleotide variant.
Coding change: c.11681C>T on transcript NM_025074.7 (MANE Select); coding-DNA position 11681, C replaced by T.
Protein change: p.Ala3894Val; replaces alanine 3894 with valine.
Molecular consequence: missense variant.
Genome position (GRCh38, 1-based): chr4:78,540,766, C>T. VCF-style: chr4-78540766-C-T. GRCh37 (hg19) VCF-style: chr4-79461920-C-T.
Other names: short protein forms A3894V.
Identifiers: ClinVar variation 349817 (VCV000349817.11), dbSNP rs772941624, ClinGen allele CA2979274.